The following is an entry in ClinVar:

ClinVar aggregate classification (germline): Uncertain significance (1 of 4 stars; one submission).

Conditions:
Charcot-Marie-Tooth disease axonal type 2O. Also called: CHARCOT-MARIE-TOOTH NEUROPATHY, AXONAL, TYPE 2O; CHARCOT-MARIE-TOOTH DISEASE, AXONAL, AUTOSOMAL DOMINANT, TYPE 2O; Charcot-Marie-Tooth Neuropathy Type 2O; Charcot-Marie-Tooth disease, axonal, type 20. Identifiers: Orphanet 284232, MedGen C3280220, MONDO:0013644, OMIM 614228.

Allele frequency attached by ClinVar (database versions not stated): gnomAD exomes below 0.00001.
gnomAD v4.1: 1 of 1,614,126 alleles (0.000062%); highest among the groups gnomAD compares: East Asian, 0.0022%; no homozygotes.

Submission:

Labcorp Genetics (formerly Invitae), Labcorp
Classification: Uncertain significance for Charcot-Marie-Tooth disease axonal type 2O. Last evaluated: 2023-03-02. Review status: criteria provided, single submitter. Criteria: Invitae Variant Classification Sherloc (09022015). Collection method: clinical testing. Allele origin: germline.
Comment: This sequence change falls in intron 36 of the DYNC1H1 gene. It does not directly change the encoded amino acid sequence of the DYNC1H1 protein. This variant is not present in population databases (gnomAD no frequency). This variant has not been reported in the literature in individuals affected with DYNC1H1-related conditions. Algorithms developed to predict the effect of sequence changes on RNA splicing suggest that this variant may disrupt the consensus splice site. In summary, the available evidence is currently insufficient to determine the role of this variant in disease. Therefore, it has been classified as a Variant of Uncertain Significance.

NM_001376.5(DYNC1H1):c.7474-12C>T

Gene: DYNC1H1 (dynein cytoplasmic 1 heavy chain 1; plus strand). Cytogenetic location: 14q32.31.
Variant type: single nucleotide variant.
Coding change: c.7474-12C>T on transcript NM_001376.5 (MANE Select); 12 bases into the intron before coding-DNA position 7474, C replaced by T.
Molecular consequence: intron variant.
Genome position (GRCh38, 1-based): chr14:102,016,337, C>T. VCF-style: chr14-102016337-C-T. GRCh37 (hg19) VCF-style: chr14-102482674-C-T.
Identifiers: ClinVar variation 2843158 (VCV002843158.3), dbSNP rs1595617424, ClinGen allele CA2159600725.
Genomic context (GRCh38, chr14:102,016,337, plus strand): 5'-ACTTTGCTGTAAGTGTCTTTCTTTTGTTGTTGAAATTTTATAAAAATCAAAGTTTAATTC[C>T]CTTTTTAATAGCGATATCTGGTTTATGCCATACTCTGGTCCCTGTCTGGAGACAGCCGGC-3'